The following is an entry in ClinVar:

NM_014918.5(CHSY1):c.182C>T (p.Ala61Val)

Genes: CHSY1 (chondroitin sulfate synthase 1; minus strand), LOC130058068 (ATAC-STARR-seq lymphoblastoid silent region 6885; plus strand). Cytogenetic location: 15q26.3.
Variant type: single nucleotide variant.
Coding change: c.182C>T on transcript NM_014918.5 (MANE Select); coding-DNA position 182, C replaced by T.
Protein change: p.Ala61Val; replaces alanine 61 with valine.
Molecular consequence: missense variant.
Genome position (GRCh38, 1-based): chr15:101,251,275, G>A on the plus strand (C>T on the coding strand, the complement: CHSY1 is on the minus strand). VCF-style: chr15-101251275-G-A. GRCh37 (hg19) VCF-style: chr15-101791480-G-A.
Other names: c.182C>T (NM_014918.4); short protein forms A61V.
Identifiers: ClinVar variation 3000768 (VCV003000768.2), dbSNP rs1291373789, ClinGen allele CA393971345.

ClinVar aggregate classification (germline): Uncertain significance. Review status: criteria provided, multiple submitters, no conflicts (2 of 4 stars). 2 submissions from 2 submitters: Uncertain significance (2). Last evaluated 2024-03-22.

Conditions:
Temtamy preaxial brachydactyly syndrome (TPBS). Identifiers: Orphanet 363417, MedGen C1854466, MONDO:0011533, OMIM 605282.

Allele frequency attached by ClinVar (database versions not stated): gnomAD exomes 0.00001.
gnomAD v4.1: 2 of 1,290,728 alleles (0.00015%); highest among the groups gnomAD compares: Admixed American, 0.004%; no homozygotes.

Submissions (2):

GeneDx
Classification: Uncertain significance. Last evaluated: 2024-03-22. Review status: criteria provided, single submitter. Criteria: GeneDx Variant Classification Process June 2021. Collection method: clinical testing. Allele origin: germline. Affected: yes.
Comment: In silico analysis supports that this missense variant does not alter protein structure/function; Has not been previously published as pathogenic or benign to our knowledge

Labcorp Genetics (formerly Invitae), Labcorp
Classification: Uncertain significance for Temtamy preaxial brachydactyly syndrome. Last evaluated: 2023-10-20. Review status: criteria provided, single submitter. Criteria: Invitae Variant Classification Sherloc (09022015). Collection method: clinical testing. Allele origin: germline.
Comment: This sequence change replaces alanine, which is neutral and non-polar, with valine, which is neutral and non-polar, at codon 61 of the CHSY1 protein (p.Ala61Val). The frequency data for this variant in the population databases is considered unreliable, as metrics indicate poor data quality at this position in the gnomAD database. This variant has not been reported in the literature in individuals affected with CHSY1-related conditions. Algorithms developed to predict the effect of missense changes on protein structure and function output the following: SIFT: "Not Available"; PolyPhen-2: "Benign"; Align-GVGD: "Not Available". The valine amino acid residue is found in multiple mammalian species, which suggests that this missense change does not adversely affect protein function. In summary, the available evidence is currently insufficient to determine the role of this variant in disease. Therefore, it has been classified as a Variant of Uncertain Significance.